The following is an entry in ClinVar:

NM_000416.3(IFNGR1):c.711del (p.Ile238fs)

Gene: IFNGR1 (interferon gamma receptor 1; minus strand). Cytogenetic location: 6q23.3.
Variant type: Deletion.
Coding change: c.711del on transcript NM_000416.3 (MANE Select); coding-DNA position 711, one base deleted (C; older notation c.711delC).
Protein change: p.Ile238fs; shifts the reading frame from isoleucine 238.
Molecular consequence: frameshift variant.
Genome position (GRCh38, 1-based): chr6:137,203,521, G deleted on the plus strand (C on the coding strand, the reverse complement: IFNGR1 is on the minus strand); the first of 2 consecutive G bases (chr6:137,203,521-137,203,522); deleting either gives the same sequence. VCF-style (leftmost placement, unchanged base first): chr6-137203520-TG-T. GRCh37 (hg19) VCF-style: chr6-137524657-TG-T.
Other names: c.710delC, p.Ile238Phefs (NM_000416.2); c.681del, p.Ile228fs (NM_001363526.1); c.588del, p.Ile197fs (NM_001363527.1); short protein forms I197fs, I228fs, I238fs.
Identifiers: ClinVar variation 2446486 (VCV002446486.1), dbSNP rs2548232677, ClinGen allele CA2580075115.
Genomic context (GRCh38, chr6:137,203,520, plus strand): 5'-GCTCCCTCTATATTTAGAAAAAAAATGGCAAGAACTTACCTTTTATACTGCTATTGAAAA[TG>T]GTAATACAAACTTCTTTTGACTTTTCAGTTGTAACACCCCACACATGTAAGACTCCTTCT-3'

ClinVar aggregate classification (germline): Uncertain significance (1 of 4 stars; one submission).

Submission:

GeneDx
Classification: Uncertain significance. Last evaluated: 2022-10-02. Review status: criteria provided, single submitter. Criteria: GeneDx Variant Classification Process June 2021. Collection method: clinical testing. Allele origin: germline. Affected: yes.
Comment: Not observed at significant frequency in large population cohorts (gnomAD); Frameshift variant predicted to result in protein truncation or nonsense mediated decay in a gene or region of a gene for which loss of function is not a well-established mechanism of disease; Has not been previously published as pathogenic or benign to our knowledge